The following is an entry in ClinVar:

ClinVar aggregate classification (germline): Uncertain significance (1 of 4 stars; one submission).

Conditions:
Progressive myoclonic epilepsy type 5. Identifiers: Orphanet 402082, MedGen C5190799.

gnomAD v4.1: 2 of 1,613,156 alleles (0.00012%); highest among the groups gnomAD compares: Non-Finnish European, 0.00017%; no homozygotes.

Submission:

Labcorp Genetics (formerly Invitae), Labcorp
Classification: Uncertain significance for Progressive myoclonic epilepsy type 5. Last evaluated: 2025-08-04. Review status: criteria provided, single submitter. Criteria: Invitae Variant Classification Sherloc (09022015). Collection method: clinical testing. Allele origin: germline.
Comment: This sequence change replaces glutamine, which is neutral and polar, with histidine, which is basic and polar, at codon 136 of the PRICKLE2 protein (p.Gln136His). This variant is not present in population databases (gnomAD no frequency). This variant has not been reported in the literature in individuals affected with PRICKLE2-related conditions. Invitae Evidence Modeling of protein sequence and biophysical properties (such as structural, functional, and spatial information, amino acid conservation, physicochemical variation, residue mobility, and thermodynamic stability) indicates that this missense variant is not expected to disrupt PRICKLE2 protein function with a negative predictive value of 80%. In summary, the available evidence is currently insufficient to determine the role of this variant in disease. Therefore, it has been classified as a Variant of Uncertain Significance.

NM_198859.4(PRICKLE2):c.408G>C (p.Gln136His)

Gene: PRICKLE2 (prickle planar cell polarity protein 2; minus strand). Cytogenetic location: 3p14.1.
Variant type: single nucleotide variant.
Coding change: c.408G>C on transcript NM_198859.4 (MANE Select); coding-DNA position 408, G replaced by C.
Protein change: p.Gln136His; replaces glutamine 136 with histidine.
Molecular consequence: missense variant.
Genome position (GRCh38, 1-based): chr3:64,157,354, C>G on the plus strand (G>C on the coding strand, the complement: PRICKLE2 is on the minus strand). VCF-style: chr3-64157354-C-G. GRCh37 (hg19) VCF-style: chr3-64143030-C-G.
Other names: c.408G>C, p.Gln136His (NM_001370528.1); short protein forms Q136H.
Identifiers: ClinVar variation 4806642 (VCV004806642.1).